The following is an entry in ClinVar:

ClinVar aggregate classification (germline): Uncertain significance (1 of 4 stars; one submission).

Conditions:
Congenital muscular dystrophy due to integrin alpha-7 deficiency. Also called: MYOPATHY, CONGENITAL, DUE TO INTEGRIN ALPHA-7 DEFICIENCY; Muscular dystrophy, congenital, due to ITGA7 deficiency; Congenital muscular dystrophy with integrin alpha-7 deficiency. Identifiers: Orphanet 34520, MedGen C2750786, MONDO:0013177, OMIM 613204.

Submission:

Labcorp Genetics (formerly Invitae), Labcorp
Classification: Uncertain significance for Congenital muscular dystrophy due to integrin alpha-7 deficiency. Last evaluated: 2018-06-30. Review status: criteria provided, single submitter. Criteria: Invitae Variant Classification Sherloc (09022015). Collection method: clinical testing. Allele origin: germline.
Comment: In summary, the available evidence is currently insufficient to determine the role of this variant in disease. Therefore, it has been classified as a Variant of Uncertain Significance. Algorithms developed to predict the effect of missense changes on protein structure and function (SIFT, PolyPhen-2, Align-GVGD) all suggest that this variant is likely to be tolerated, but these predictions have not been confirmed by published functional studies and their clinical significance is uncertain. This variant has not been reported in the literature in individuals with ITGA7-related disease. This variant is not present in population databases (ExAC no frequency). This sequence change replaces valine with leucine at codon 1056 of the ITGA7 protein (p.Val1056Leu). The valine residue is highly conserved and there is a small physicochemical difference between valine and leucine.

NM_002206.3(ITGA7):c.3166G>C (p.Val1056Leu)

Gene: ITGA7 (integrin subunit alpha 7; minus strand). Cytogenetic location: 12q13.2.
Variant type: single nucleotide variant.
Coding change: c.3166G>C on transcript NM_002206.3 (MANE Select); coding-DNA position 3166, G replaced by C.
Protein change: p.Val1056Leu; replaces valine 1056 with leucine.
Molecular consequence: missense variant.
Genome position (GRCh38, 1-based): chr12:55,687,988, C>G on the plus strand (G>C on the coding strand, the complement: ITGA7 is on the minus strand). VCF-style: chr12-55687988-C-G. GRCh37 (hg19) VCF-style: chr12-56081772-C-G.
Other names: c.3178G>C, p.Val1060Leu (NM_001144996.2); c.2887G>C, p.Val963Leu (NM_001144997.2); c.2839G>C, p.Val947Leu (NM_001367993.1); c.1822G>C, p.Val608Leu (NM_001367994.1); c.3148G>C, p.Val1050Leu (NM_001374465.1); c.3298G>C, p.Val1100Leu (NM_001410977.1); c.3160G>C, p.Val1054Leu (NM_001414029.1); c.3091G>C, p.Val1031Leu (NM_001414030.1); and 5 more; short protein forms V1050L, V1056L, V1060L, V608L, V947L, V963L, V1100L, V943L.
Identifiers: ClinVar variation 1054462 (VCV001054462.9), dbSNP rs2135953526, ClinGen allele CA385180477.